The following is an entry in ClinVar:

NM_000219.6(KCNE1):c.384C>A (p.Ser128=)

Gene: KCNE1 (potassium voltage-gated channel subfamily E regulatory subunit 1; minus strand). Cytogenetic location: 21q22.12.
Variant type: single nucleotide variant.
Coding change: c.384C>A on transcript NM_000219.6 (MANE Select); coding-DNA position 384, C replaced by A.
Protein change: p.Ser128=; no amino-acid change (serine 128 retained).
Molecular consequence: synonymous variant.
Genome position (GRCh38, 1-based): chr21:34,449,251, G>T on the plus strand (C>A on the coding strand, the complement: KCNE1 is on the minus strand). VCF-style: chr21-34449251-G-T. GRCh37 (hg19) VCF-style: chr21-35821549-G-T.
Other names: c.384C>A, p.Ser128= (NM_001127668.4, NM_001127669.4, NM_001127670.4 and 4 more transcripts).
Identifiers: ClinVar variation 2155519 (VCV002155519.6), dbSNP rs759950872, ClinGen allele CA320425081.

ClinVar aggregate classification (germline): Likely benign (1 of 4 stars; one submission).

Conditions:
Long QT syndrome (LQTS). Identifiers: MedGen C0023976, MeSH D008133, MONDO:0002442. Disease mechanism: loss of function. Inheritance: Various modes of inheritance.

Allele frequency attached by ClinVar (database versions not stated): ExAC 0.00001.

Submissions (2):

Labcorp Genetics (formerly Invitae), Labcorp
Classification: Likely benign for Long QT syndrome. Last evaluated: 2025-11-17. Review status: criteria provided, single submitter. Criteria: Invitae Variant Classification Sherloc (09022015). Collection method: clinical testing. Allele origin: germline.

Roden Lab, Vanderbilt University Medical Center
No classification provided (evidence only). Condition: Long QT syndrome 5. Review status: no classification provided. Collection method: in vitro. Allele origin: not applicable. Functional consequence: Effect on ion channel function. Not counted in ClinVar's aggregate classification.
ClinVar note: "not provided" was previously submitted as the classification for the variant. However, the classification appeared to be based only on an observation of functional data so it was converted to no classification on 2025-07-30.